The following is an entry in ClinVar:

NM_004329.3(BMPR1A):c.1059A>T (p.Gln353His)

Gene: BMPR1A (bone morphogenetic protein receptor type 1A; plus strand). Cytogenetic location: 10q23.2.
Variant type: single nucleotide variant.
Coding change: c.1059A>T on transcript NM_004329.3 (MANE Select); coding-DNA position 1059, A replaced by T.
Protein change: p.Gln353His; replaces glutamine 353 with histidine.
Molecular consequence: missense variant. On other transcripts: non-coding transcript variant (3).
Genome position (GRCh38, 1-based): chr10:86,919,362, A>T. VCF-style: chr10-86919362-A-T. GRCh37 (hg19) VCF-style: chr10-88679119-A-T.
Other names: c.1134A>T, p.Gln378His (NM_001406559.1); c.1107A>T, p.Gln369His (NM_001406560.1); c.1059A>T, p.Gln353His (NM_001406561.1, NM_001406562.1, NM_001406563.1 and 19 more transcripts); c.1053A>T, p.Gln351His (NM_001406583.1); c.975A>T, p.Gln325His (NM_001406584.1, NM_001406585.1, NM_001406586.1 and 2 more transcripts); c.717A>T, p.Gln239His (NM_001406589.1); short protein forms Q378H, Q325H, Q351H, Q239H, Q353H, Q369H.
Identifiers: ClinVar variation 4717814 (VCV004717814.1).

ClinVar aggregate classification (germline): Uncertain significance (1 of 4 stars; one submission).

Conditions:
Juvenile polyposis syndrome (JPS). Identifiers: Orphanet 2929, MedGen C0345893, MONDO:0017380, OMIM 174900.

Submission:

Labcorp Genetics (formerly Invitae), Labcorp
Classification: Uncertain significance for Juvenile polyposis syndrome. Last evaluated: 2025-11-18. Review status: criteria provided, single submitter. Criteria: Invitae Variant Classification Sherloc (09022015). Collection method: clinical testing. Allele origin: germline.
Comment: This sequence change replaces glutamine, which is neutral and polar, with histidine, which is basic and polar, at codon 353 of the BMPR1A protein (p.Gln353His). This variant is not present in population databases (gnomAD no frequency). This variant has not been reported in the literature in individuals affected with BMPR1A-related conditions. Invitae Evidence Modeling of protein sequence and biophysical properties (such as structural, functional, and spatial information, amino acid conservation, physicochemical variation, residue mobility, and thermodynamic stability) indicates that this missense variant is not expected to disrupt BMPR1A protein function with a negative predictive value of 80%. In summary, the available evidence is currently insufficient to determine the role of this variant in disease. Therefore, it has been classified as a Variant of Uncertain Significance.